The following is an entry in ClinVar:

ClinVar aggregate classification (germline): Benign (0 of 4 stars; one submission).

Conditions:
DNAH2-related disorder. Also called: DNAH2-related condition.

Allele frequency attached by ClinVar (database versions not stated): ESP Exome Variant Server 0.00500; 1000 Genomes Project 0.00559; 1000 Genomes Project 30x 0.00562; TOPMed 0.00587; gnomAD exomes 0.00049; ExAC 0.00152; gnomAD 0.00495.
gnomAD v4.1: 1,490 of 1,614,168 alleles (0.092%); highest among the groups gnomAD compares: African/African-American, 1.8%; 12 homozygotes.

Submissions (4):

PreventionGenetics, part of Exact Sciences
Classification: Benign for DNAH2-related condition. Last evaluated: 2019-05-01. Review status: no assertion criteria provided. Collection method: clinical testing. Allele origin: germline.
Comment: This variant is classified as benign based on ACMG/AMP sequence variant interpretation guidelines (Richards et al. 2015 PMID: 25741868, with internal and published modifications).

Dr. Peter K. Rogan Lab, Western University
No classification provided (evidence only). Condition: Lung cancer. Review status: no classification provided. Collection method: in vitro. Allele origin: not applicable. Functional consequence: retained intron. Not counted in ClinVar's aggregate classification.

Dr. Peter K. Rogan Lab, Western University
No classification provided (evidence only). Condition: Thyroid cancer, nonmedullary, 1. Review status: no classification provided. Collection method: in vitro. Allele origin: not applicable. Functional consequence: retained intron. Not counted in ClinVar's aggregate classification.

Dr. Peter K. Rogan Lab, Western University
No classification provided (evidence only). Condition: Uterine corpus endometrial carcinoma. Review status: no classification provided. Collection method: in vitro. Allele origin: not applicable. Functional consequence: retained intron. Not counted in ClinVar's aggregate classification.

NM_020877.5(DNAH2):c.13165C>A (p.Arg4389=)

Gene: DNAH2 (dynein axonemal heavy chain 2; plus strand). Cytogenetic location: 17p13.1.
Variant type: single nucleotide variant.
Coding change: c.13165C>A on transcript NM_020877.5 (MANE Select); coding-DNA position 13165, C replaced by A.
Protein change: p.Arg4389=; no amino-acid change (arginine 4389 retained).
Molecular consequence: synonymous variant.
Genome position (GRCh38, 1-based): chr17:7,833,414, C>A. VCF-style: chr17-7833414-C-A. GRCh37 (hg19) VCF-style: chr17-7736732-C-A.
Other names: NC_000017.10:g.7736732C>A.
Identifiers: ClinVar variation 3056665 (VCV003056665.3), dbSNP rs9904115, ClinGen allele CA8359977.